The following is an entry in ClinVar:

ClinVar aggregate classification (germline): Likely pathogenic (1 of 4 stars; one submission).

Conditions:
Duchenne muscular dystrophy (DMD). Also called: Duchenne Muscular Dystrophy (DMD); MUSCULAR DYSTROPHY, PSEUDOHYPERTROPHIC PROGRESSIVE, DUCHENNE TYPE. Identifiers: Orphanet 98896, MedGen C0013264, MONDO:0010679, OMIM 310200.

Submission:

Labcorp Genetics (formerly Invitae), Labcorp
Classification: Likely pathogenic for Duchenne muscular dystrophy. Last evaluated: 2021-06-20. Review status: criteria provided, single submitter. Criteria: Invitae Variant Classification Sherloc (09022015). Collection method: clinical testing. Allele origin: germline.
Comment: This sequence change affects a donor splice site in intron 27 of the DMD gene. It is expected to disrupt RNA splicing. Variants that disrupt the donor or acceptor splice site typically lead to a loss of protein function (PMID: 16199547), and loss-of-function variants in DMD are known to be pathogenic (PMID: 16770791, 25007885). This variant is not present in population databases (ExAC no frequency). This variant has not been reported in the literature in individuals with DMD-related conditions. Algorithms developed to predict the effect of sequence changes on RNA splicing suggest that this variant may disrupt the consensus splice site, but this prediction has not been confirmed by published transcriptional studies. In summary, the currently available evidence indicates that the variant is pathogenic, but additional data are needed to prove that conclusively. Therefore, this variant has been classified as Likely Pathogenic.

Literature cited by the submitters: PubMed 16199547; PubMed 16770791; PubMed 25007885.

NM_004006.3(DMD):c.3786+2T>A

Gene: DMD (dystrophin; minus strand). Cytogenetic location: Xp21.1.
Variant type: single nucleotide variant.
Coding change: c.3786+2T>A on transcript NM_004006.3 (MANE Select); the canonical splice donor site of the intron after coding-DNA position 3786, T replaced by A.
Molecular consequence: splice donor variant.
Genome position (GRCh38, 1-based): chrX:32,448,454, A>T on the plus strand (T>A on the coding strand, the complement: DMD is on the minus strand). VCF-style: chrX-32448454-A-T. GRCh37 (hg19) VCF-style: chrX-32466571-A-T.
Other names: c.3762+2T>A (NM_000109.4); c.3774+2T>A (NM_004009.3); c.3417+2T>A (NM_004010.3).
Identifiers: ClinVar variation 1504071 (VCV001504071.8), dbSNP rs2148287085, ClinGen allele CA412661534.